The following is an entry in ClinVar:

NM_080680.3(COL11A2):c.2795C>G (p.Ala932Gly)

Gene: COL11A2 (collagen type XI alpha 2 chain; minus strand). Cytogenetic location: 6p21.32.
Variant type: single nucleotide variant.
Coding change: c.2795C>G on transcript NM_080680.3 (MANE Select); coding-DNA position 2795, C replaced by G.
Protein change: p.Ala932Gly; replaces alanine 932 with glycine.
Molecular consequence: missense variant.
Genome position (GRCh38, 1-based): chr6:33,172,633, G>C on the plus strand (C>G on the coding strand, the complement: COL11A2 is on the minus strand). VCF-style: chr6-33172633-G-C. GRCh37 (hg19) VCF-style: chr6-33140410-G-C.
Other names: c.1769C>G, p.Ala590Gly (NM_001424111.1, NM_001424110.1); c.749C>G, p.Ala250Gly (NM_001424112.1); c.2537C>G, p.Ala846Gly (NM_080681.3); c.2474C>G, p.Ala825Gly (NM_080679.3); c.2615C>G, p.Ala872Gly (NM_001424108.1); c.1949C>G, p.Ala650Gly (NM_001424109.1); short protein forms A250G, A590G, A872G, A846G, A932G, A650G, A825G.
Identifiers: ClinVar variation 2990751 (VCV002990751.3), dbSNP rs1414752329, ClinGen allele CA363638269.

ClinVar aggregate classification (germline): Uncertain significance (1 of 4 stars; one submission).

Allele frequency attached by ClinVar (database versions not stated): TOPMed 0.00001.
gnomAD v4.1: 1 of 1,611,798 alleles (0.000062%); highest among the groups gnomAD compares: Non-Finnish European, 0.000085%; no homozygotes.

Submission:

Labcorp Genetics (formerly Invitae), Labcorp
Classification: Uncertain significance. Last evaluated: 2025-02-01. Review status: criteria provided, single submitter. Criteria: Invitae Variant Classification Sherloc (09022015). Collection method: clinical testing. Allele origin: germline.
Comment: This sequence change replaces alanine, which is neutral and non-polar, with glycine, which is neutral and non-polar, at codon 932 of the COL11A2 protein (p.Ala932Gly). This variant is not present in population databases (gnomAD no frequency). This variant has not been reported in the literature in individuals affected with COL11A2-related conditions. ClinVar contains an entry for this variant (Variation ID: 2990751). Invitae Evidence Modeling of protein sequence and biophysical properties (such as structural, functional, and spatial information, amino acid conservation, physicochemical variation, residue mobility, and thermodynamic stability) indicates that this missense variant is not expected to disrupt COL11A2 protein function with a negative predictive value of 95%. In summary, the available evidence is currently insufficient to determine the role of this variant in disease. Therefore, it has been classified as a Variant of Uncertain Significance.